The following is an entry in ClinVar:

ClinVar aggregate classification (germline): Uncertain significance. Review status: criteria provided, multiple submitters, no conflicts (2 of 4 stars). 2 submissions from 2 submitters: Uncertain significance (2). Last evaluated 2021-12-13.

Conditions:
Inborn genetic diseases. Identifiers: MedGen C0950123, MeSH D030342.
Oculofaciocardiodental syndrome (MCOPS2). Identifiers: Orphanet 2712, MedGen C1846265, MONDO:0010261, OMIM 300166.

Allele frequency attached by ClinVar (database versions not stated): gnomAD exomes 0.00001 and 0.00002.
gnomAD v4.1: 19 of 1,210,560 alleles (0.0016%); highest among the groups gnomAD compares: South Asian, 0.0053%; no homozygotes.

Submissions (2):

Ambry Genetics
Classification: Uncertain significance for Inborn genetic diseases. Last evaluated: 2021-12-13. Review status: criteria provided, single submitter. Criteria: Ambry Variant Classification Scheme 2023. Collection method: clinical testing. Allele origin: germline.

Centre for Mendelian Genomics, University Medical Centre Ljubljana
Classification: Uncertain significance for Oculofaciocardiodental syndrome. Last evaluated: 2019-08-12. Review status: criteria provided, single submitter. Criteria: ACMG Guidelines, 2015. Collection method: clinical testing. Allele origin: unknown. Affected: yes.
Comment: This variant was classified as: Uncertain significance. The available evidence on this variant's pathogenicity is insufficient or conflicting. The following ACMG criteria were applied in classifying this variant: PP3. This variant was detected in hemizygous state.

NM_001123385.2(BCOR):c.4903G>A (p.Asp1635Asn)

Gene: BCOR (BCL6 corepressor; minus strand). Cytogenetic location: Xp11.4.
Variant type: single nucleotide variant.
Coding change: c.4903G>A on transcript NM_001123385.2 (MANE Select); coding-DNA position 4903, G replaced by A.
Protein change: p.Asp1635Asn; replaces aspartic acid 1635 with asparagine.
Molecular consequence: missense variant.
Genome position (GRCh38, 1-based): chrX:40,053,959, C>T on the plus strand (G>A on the coding strand, the complement: BCOR is on the minus strand). VCF-style: chrX-40053959-C-T. GRCh37 (hg19) VCF-style: chrX-39913212-C-T.
Other names: c.4801G>A, p.Asp1601Asn (NM_001123383.2, NM_017745.6); c.4747G>A, p.Asp1583Asn (NM_001123384.2); short protein forms D1601N, D1583N, D1635N.
Identifiers: ClinVar variation 931586 (VCV000931586.5), dbSNP rs367883774, ClinGen allele CA327977188.